The following is an entry in ClinVar:

ClinVar aggregate classification (germline): Likely pathogenic (1 of 4 stars; one submission).

Conditions:
Autosomal recessive limb-girdle muscular dystrophy type 2J (LGMDR10). Also called: Limb-girdle muscular dystrophy, type 2J; MUSCULAR DYSTROPHY, LIMB-GIRDLE, AUTOSOMAL RECESSIVE 10. Identifiers: Orphanet 140922, MedGen C1837342, MONDO:0012127, OMIM 608807.
Dilated cardiomyopathy 1G (CMD1G). Identifiers: Orphanet 154, MedGen C1858763, MONDO:0011400, OMIM 604145.

Submission:

Labcorp Genetics (formerly Invitae), Labcorp
Classification: Likely pathogenic for Dilated cardiomyopathy 1G; Autosomal recessive limb-girdle muscular dystrophy type 2J. Last evaluated: 2025-07-27. Review status: criteria provided, single submitter. Criteria: Invitae Variant Classification Sherloc (09022015). Collection method: clinical testing. Allele origin: germline.
Comment: This sequence change creates a premature translational stop signal (p.Leu15639Argfs*13) in the TTN gene. While this is not anticipated to result in nonsense mediated decay, it is expected to create a truncated TTN protein. This variant is not present in population databases (gnomAD no frequency). This variant has not been reported in the literature in individuals affected with TTN-related conditions. This variant is located in the I band of TTN (PMID: 25589632). Truncating variants in this region have been reported in individuals affected with autosomal recessive centronuclear myopathy (PMID: 23975875, internal data). Truncating variants in this region have also been identified in individuals affected with autosomal dominant dilated cardiomyopathy and/or cardio-related conditions (PMID: 27869827, 32964742, internal data). In summary, the currently available evidence indicates that the variant is pathogenic, but additional data are needed to prove that conclusively. Therefore, this variant has been classified as Likely Pathogenic.

Literature cited by the submitters: PubMed 25589632; PubMed 23975875; PubMed 27869827; PubMed 32964742.

NM_001267550.2(TTN):c.46914_46917del (p.Leu15639fs)

Genes: TTN (titin; minus strand), TTN-AS1 (TTN antisense RNA 1; plus strand). Cytogenetic location: 2q31.2.
Variant type: Deletion.
Coding change: c.46914_46917del on transcript NM_001267550.2 (MANE Select); coding-DNA positions 46914 to 46917, 4 bases deleted (GCTT; older notation c.46914_46917delGCTT).
Protein change: p.Leu15639fs; shifts the reading frame from leucine 15639.
Molecular consequence: frameshift variant.
Genome position (GRCh38, 1-based): chr2:178,618,633-178,618,636, AAGC deleted on the plus strand (GCTT on the coding strand, the reverse complement: TTN is on the minus strand); deleting any 4 consecutive bases within chr2:178,618,633-178,618,637 gives the same sequence; the c. name uses the placement nearest the transcript's 3' end. VCF-style (leftmost placement, unchanged base first): chr2-178618632-GAAGC-G. GRCh37 (hg19) VCF-style: chr2-179483359-GAAGC-G.
Other names: c.41991_41994del, p.Leu13998fs (NM_001256850.1); c.19719_19722del, p.Leu6574fs (NM_003319.4); c.39210_39213del, p.Leu13071fs (NM_133378.4); c.20094_20097del, p.Leu6699fs (NM_133432.3); c.20295_20298del, p.Leu6766fs (NM_133437.4); short protein forms L13998fs, L15639fs, L6766fs, L13071fs, L6574fs, L6699fs.
Identifiers: ClinVar variation 4785699 (VCV004785699.1).